The following is an entry in ClinVar:

ClinVar aggregate classification (germline): Likely pathogenic (1 of 4 stars; one submission).

Conditions:
Primary ciliary dyskinesia 3. Identifiers: Orphanet 244, MedGen C1837618, MONDO:0012085, OMIM 608644.

gnomAD v4.1: 221 of 151,980 alleles (0.15%); highest among the groups gnomAD compares: African/African-American, 0.52%; no homozygotes.

Submission:

New York Genome Center
Classification: Likely pathogenic for Primary ciliary dyskinesia 3. Last evaluated: 2024-03-01. Review status: criteria provided, single submitter. Criteria: NYGC Assertion Criteria 2020. Collection method: clinical testing. Allele origin: inherited. Affected: yes. Observed: 1 variant allele, 1 compound heterozygote.
Comment: The c.3396+1344C>T variant identified in the DNAH5 gene has not previously been reported in individuals with ciliopathies nor has it been deposited inClinVar. The c.3396+1344C>T is observed in 655 alleles (~0.12% minor allele frequency with 0 homozygote) in population databases (gnomAD v4.0.0 and TOPMedFreeze 8) and is found in frequencies up to 0.5% in the African/African American population. In silico algorithms predict that this variant will have a damaging effect to splicing; Transcript inferred pathogenicity score (TraP) 0.609 (>99% score-percentile) and SpliceAI 0.2943 (+2bp Donor Gain) and 0.31 (+121bp Acceptor Gain). RNA sequencing, confirmatory targeted polymerase chain reaction, and Sanger sequencing analysis on RNA extracted from a cultured amniotic fluid sample was performed in this case. RNA sequencing and targeted analysis for DNAH5 transcripts identified a small population (1 of 5 reads; 20%) of DNAH5 transcripts that include a novel exon within intron 22, 2bp dowsntream of the c.3396+1344C>T variant. This novel exon is predicted to contain a nonsense codon in all three reading frames, and is therefore predicted to lead to loss of function via nonsense mediated decay. Polymerase chain reaction and Sanger sequencing using primers specific for the native exons 22, 23 and the novel exon identified by RNA sequencing has confirmed these findings. Given this functional evidence suggesting that the inherited heterozygous c.3396+1344C>T variant identified in the DNAH5 gene leads to aberrant splicing and inclusion of a novel exon containing a termination codon, it is classified as Likely Pathogenic.

NM_001369.3(DNAH5):c.3396+1344C>T

Genes: DNAH5 (dynein axonemal heavy chain 5; minus strand), DNAH5-AS1 (DNAH5 antisense RNA 1; plus strand). Cytogenetic location: 5p15.2.
Variant type: single nucleotide variant.
Coding change: c.3396+1344C>T on transcript NM_001369.3 (MANE Select); 1344 bases into the intron after coding-DNA position 3396, C replaced by T.
Molecular consequence: intron variant.
Genome position (GRCh38, 1-based): chr5:13,875,340, G>A on the plus strand (C>T on the coding strand, the complement: DNAH5 is on the minus strand). VCF-style: chr5-13875340-G-A. GRCh37 (hg19) VCF-style: chr5-13875449-G-A.
Other names: c.3396+1344C>T (NM_001369.2).
Identifiers: ClinVar variation 4888330 (VCV004888330.1).